The following is an entry in ClinVar:

ClinVar aggregate classification (germline): Likely pathogenic. Review status: criteria provided, multiple submitters, no conflicts (2 of 4 stars). 2 submissions from 2 submitters: Likely pathogenic (2). Last evaluated 2025-08-05.

Conditions:
Autosomal recessive nonsyndromic hearing loss 4 (DFNB4). Also called: NEUROSENSORY NONSYNDROMIC RECESSIVE DEAFNESS 4; FOXI1-Related Pendred Syndrome; KCNJ10-Related Pendred Syndrome; DEAFNESS, AUTOSOMAL RECESSIVE 4, WITH ENLARGED VESTIBULAR AQUEDUCT, DIGENIC; Nonsyndromic enlarged vestibular aqueduct (NSEVA); Deafness, autosomal recessive 4, with enlarged vestibular aqueduct. Identifiers: Orphanet 90636, MedGen C3538946, MONDO:0010933, OMIM 600791.
Pendred syndrome (PDS). Also called: DEAFNESS WITH GOITER; GOITER-DEAFNESS SYNDROME; HYPOTHYROIDISM, CONGENITAL, DUE TO DYSHORMONOGENESIS, 2B; THYROID DYSHORMONOGENESIS 2B; THYROID HORMONOGENESIS, GENETIC DEFECT IN, 2B; Pendred's syndrome. Identifiers: Orphanet 705, MedGen C0271829, MONDO:0010134, OMIM 274600.

Submissions (2):

Natera, Inc.
Classification: Likely pathogenic for Pendred syndrome. Last evaluated: 2025-08-05. Review status: criteria provided, single submitter. Criteria: Natera Variant Classification Schema (03/2026). Collection method: clinical testing. Allele origin: germline.
Comment: The c.508_509delGT variant in SLC26A4 is a frameshift variant predicted to shift the reading frame beginning at codon 170 and leads to a stop codon 11 codons downstream. This variant is expected to result in nonsense mediated decay, truncation, or a dysfunctional protein product. This variant is rare in the general population with a frequency below the threshold expected for the associated phenotype(s). Given the available evidence, this variant is classified as Likely Pathogenic.

Baylor Genetics
Classification: Likely pathogenic for Autosomal recessive nonsyndromic hearing loss 4. Last evaluated: 2024-03-18. Review status: criteria provided, single submitter. Criteria: ACMG Guidelines, 2015. Collection method: clinical testing. Allele origin: unknown.

NM_000441.2(SLC26A4):c.508_509del (p.Val170fs)

Gene: SLC26A4 (solute carrier family 26 member 4; plus strand). Cytogenetic location: 7q22.3.
Variant type: Deletion.
Coding change: c.508_509del on transcript NM_000441.2 (MANE Select); coding-DNA positions 508 to 509, 2 bases deleted (GT; older notation c.508_509delGT).
Protein change: p.Val170fs; shifts the reading frame from valine 170.
Molecular consequence: frameshift variant.
Genome position (GRCh38, 1-based): chr7:107,674,256-107,674,257, GT deleted; deleting any 2 consecutive bases within chr7:107,674,255-107,674,257 gives the same sequence; the c. name uses the placement nearest the transcript's 3' end. VCF-style (leftmost placement, unchanged base first): chr7-107674254-CTG-C. GRCh37 (hg19) VCF-style: chr7-107314699-CTG-C.
Other names: c.508_509delGT (NM_000441.1); short protein forms V170fs.
Identifiers: ClinVar variation 3240499 (VCV003240499.2), dbSNP rs2535296384.
Genomic context (GRCh38, chr7:107,674,254, plus strand): 5'-GATCTGTTGTTCTGAGCATGGCCCCCGACGAACACTTTCTCGTATCCAGCAGCAATGGAA[CTG>C]TATTAAATACTACTATGATAGACACTGCAGCTAGAGATACAGCTAGAGTCCTGATTGCCA-3'